The following is an entry in ClinVar:

NM_001130987.2(DYSF):c.5239C>T (p.Gln1747Ter)

Gene: DYSF (dysferlin; plus strand). Cytogenetic location: 2p13.2.
Variant type: single nucleotide variant.
Coding change: c.5239C>T on transcript NM_001130987.2 (MANE Select); coding-DNA position 5239, C replaced by T.
Protein change: p.Gln1747Ter; replaces glutamine 1747 with a stop codon.
Molecular consequence: nonsense.
Genome position (GRCh38, 1-based): chr2:71,665,226, C>T. VCF-style: chr2-71665226-C-T. GRCh37 (hg19) VCF-style: chr2-71892356-C-T.
Other names: c.5125C>T, p.Gln1709Ter (NM_001130455.2); c.5080C>T, p.Gln1694Ter (NM_001130976.2); c.5143C>T, p.Gln1715Ter (NM_001130977.2); c.5185C>T, p.Gln1729Ter (NM_001130978.2); c.5215C>T, p.Gln1739Ter (NM_001130979.2); c.5173C>T, p.Gln1725Ter (NM_001130980.2); c.5236C>T, p.Gln1746Ter (NM_001130981.2); c.5218C>T, p.Gln1740Ter (NM_001130982.2); and 5 more; short protein forms Q1694*, Q1695*, Q1708*, Q1709*, Q1715*, Q1716*, Q1725*, Q1726*.
Identifiers: ClinVar variation 984128 (VCV000984128.4), dbSNP rs1342179740, ClinGen allele CA347221029.
Genomic context (GRCh38, chr2:71,665,226, plus strand): 5'-GGACCGAACCAGTGGCGGGACCAGCTCCGCCCCTCCCAGCTCCTCCACCTCTTCTGCCAG[C>T]AGCATAGAGTCAAGGCACCTGTGTACCGGACAGACCGTGTAATGTTTCAGGATAAAGAAT-3'

ClinVar aggregate classification (germline): Likely pathogenic (1 of 4 stars; one submission).

Conditions:
Autosomal recessive limb-girdle muscular dystrophy. Identifiers: Orphanet 102015, MedGen C2931907, MONDO:0015152.

Allele frequency attached by ClinVar (database versions not stated): gnomAD 0.00001; TOPMed 0.00001.
gnomAD v4.1: 1 of 1,613,998 alleles (0.000062%); highest among the groups gnomAD compares: Non-Finnish European, 0.000085%; no homozygotes.

Submission:

Myriad Genetics, Inc.
Classification: Likely pathogenic for Autosomal recessive limb-girdle muscular dystrophy. Last evaluated: 2019-03-09. Review status: criteria provided, single submitter. Criteria: Myriad Autosomal Dominant, Autosomal Recessive and X-Linked Classification Criteria (2023). Collection method: clinical testing. Allele origin: unknown.
Comment: NM_003494.3(DYSF):c.5122C>T(Q1708*) is expected to be pathogenic in the context of dysferlinopathy. This variant is predicted to lead to an abnormal or absent protein product due to the creation of a premature termination codon in DYSF, a gene where loss-of-function variants are known to be pathogenic. Please note: this variant was assessed in the context of healthy population screening.